The following is an entry in ClinVar:

ClinVar aggregate classification (germline): Uncertain significance. Review status: criteria provided, multiple submitters, no conflicts (2 of 4 stars). 2 submissions from 2 submitters: Uncertain significance (2). Last evaluated 2025-06-24.

Conditions:
Cardiovascular phenotype. Identifiers: MedGen CN230736.

gnomAD v4.1: 2 of 1,613,498 alleles (0.00012%); highest among the groups gnomAD compares: Middle Eastern, 0.017%; no homozygotes.

Submissions (2):

GeneDx
Classification: Uncertain significance. Last evaluated: 2025-06-24. Review status: criteria provided, single submitter. Criteria: GeneDx Variant Classification Process June 2021. Collection method: clinical testing. Allele origin: germline. Affected: yes.
Comment: Not observed at significant frequency in large population cohorts (gnomAD); In silico analysis supports that this missense variant has a deleterious effect on protein structure/function; Has not been previously published as pathogenic or benign to our knowledge

Ambry Genetics
Classification: Uncertain significance for Cardiovascular phenotype. Last evaluated: 2024-11-13. Review status: criteria provided, single submitter. Criteria: Ambry Variant Classification Scheme 2023. Collection method: clinical testing. Allele origin: germline.
Comment: The p.P438L variant (also known as c.1313C>T), located in coding exon 8 of the PCSK9 gene, results from a C to T substitution at nucleotide position 1313. The proline at codon 438 is replaced by leucine, an amino acid with similar properties. This amino acid position is conserved. In addition, the in silico prediction for this alteration is inconclusive. Based on the available evidence, the clinical significance of this variant remains unclear.

NM_174936.4(PCSK9):c.1313C>T (p.Pro438Leu)

Gene: PCSK9 (proprotein convertase subtilisin/kexin type 9; plus strand). Cytogenetic location: 1p32.3.
Variant type: single nucleotide variant.
Coding change: c.1313C>T on transcript NM_174936.4 (MANE Select); coding-DNA position 1313, C replaced by T.
Protein change: p.Pro438Leu; replaces proline 438 with leucine.
Molecular consequence: missense variant. On other transcripts: non-coding transcript variant (5), intron variant (2).
Genome position (GRCh38, 1-based): chr1:55,058,168, C>T. VCF-style: chr1-55058168-C-T. GRCh37 (hg19) VCF-style: chr1-55523841-C-T.
Other names: c.1436C>T, p.Pro479Leu (NM_001407240.1); c.1313C>T, p.Pro438Leu (NM_001407241.1); c.1316C>T, p.Pro439Leu (NM_001407242.1); c.1256C>T, p.Pro419Leu (NM_001407243.1); c.1121C>T, p.Pro374Leu (NM_001407245.1); c.938C>T, p.Pro313Leu (NM_001407246.1); c.1181-331C>T (NM_001407244.1); c.1180+654C>T (NM_001407247.1); short protein forms P419L, P479L, P313L, P438L, P439L, P374L.
Identifiers: ClinVar variation 3415994 (VCV003415994.2).
Genomic context (GRCh38, chr1:55,058,168, plus strand): 5'-TCTCTGCCAAAGATGTCATCAATGAGGCCTGGTTCCCTGAGGACCAGCGGGTACTGACCC[C>T]CAACCTGGTGGCCGCCCTGCCCCCCAGCACCCATGGGGCAGGTAAGCAGGATGGCAGGGT-3'
Protein context (NP_777596.2, residues 428-448): WFPEDQRVLT[Pro438Leu]NLVAALPPST